The following is an entry in ClinVar:

ClinVar aggregate classification (germline): Uncertain significance. Review status: criteria provided, multiple submitters, no conflicts (2 of 4 stars). 2 submissions from 2 submitters: Uncertain significance (2). Last evaluated 2026-01-20.

Conditions:
Long QT syndrome (LQTS). Identifiers: MedGen C0023976, MeSH D008133, MONDO:0002442. Disease mechanism: loss of function. Inheritance: Various modes of inheritance.

Allele frequency attached by ClinVar (database versions not stated): TOPMed 0.00001; gnomAD 0.00002; gnomAD exomes 0.00004.
gnomAD v4.1: 50 of 1,288,606 alleles (0.0039%); highest among the groups gnomAD compares: Non-Finnish European, 0.0046%; no homozygotes.

Submissions (2):

Labcorp Genetics (formerly Invitae), Labcorp
Classification: Uncertain significance for Long QT syndrome. Last evaluated: 2026-01-20. Review status: criteria provided, single submitter. Criteria: Invitae Variant Classification Sherloc (09022015). Collection method: clinical testing. Allele origin: germline.
Comment: This sequence change replaces arginine, which is basic and polar, with histidine, which is basic and polar, at codon 292 of the KCNH2 protein (p.Arg292His). This variant is not present in population databases (gnomAD no frequency). This variant has not been reported in the literature in individuals affected with KCNH2-related conditions. ClinVar contains an entry for this variant (Variation ID: 1017664). An algorithm developed to predict the effect of missense changes on protein structure and function (PolyPhen-2) suggests that this variant is likely to be tolerated. In summary, the available evidence is currently insufficient to determine the role of this variant in disease. Therefore, it has been classified as a Variant of Uncertain Significance.

Blueprint Genetics
Classification: Uncertain significance. Last evaluated: 2024-02-26. Review status: criteria provided, single submitter. Criteria: ACMG Guidelines, 2015. Collection method: clinical testing. Allele origin: germline.

NM_000238.4(KCNH2):c.875G>A (p.Arg292His)

Gene: KCNH2 (potassium voltage-gated channel subfamily H member 2; minus strand). Cytogenetic location: 7q36.1.
Variant type: single nucleotide variant.
Coding change: c.875G>A on transcript NM_000238.4 (MANE Select); coding-DNA position 875, G replaced by A.
Protein change: p.Arg292His; replaces arginine 292 with histidine.
Molecular consequence: missense variant.
Genome position (GRCh38, 1-based): chr7:150,958,100, C>T on the plus strand (G>A on the coding strand, the complement: KCNH2 is on the minus strand). VCF-style: chr7-150958100-C-T. GRCh37 (hg19) VCF-style: chr7-150655188-C-T.
Other names: c.587G>A, p.Arg196His (NM_001406753.1, NM_001406756.1); c.698G>A, p.Arg233His (NM_001406755.1); c.575G>A, p.Arg192His (NM_001406757.1); c.875G>A, p.Arg292His (NM_172056.3); short protein forms R292H, R192H, R196H, R233H.
Identifiers: ClinVar variation 1017664 (VCV001017664.9), dbSNP rs1355952300, ClinGen allele CA369862183.